The following is an entry in ClinVar:

NM_007186.6(CEP250):c.2704C>T (p.Gln902Ter)

Genes: CEP250 (centrosomal protein 250; plus strand), CEP250-AS1 (CEP250 antisense RNA 1; minus strand). Cytogenetic location: 20q11.22.
Variant type: single nucleotide variant.
Coding change: c.2704C>T on transcript NM_007186.6 (MANE Select); coding-DNA position 2704, C replaced by T.
Protein change: p.Gln902Ter; replaces glutamine 902 with a stop codon.
Molecular consequence: nonsense.
Genome position (GRCh38, 1-based): chr20:35,490,754, C>T. VCF-style: chr20-35490754-C-T. GRCh37 (hg19) VCF-style: chr20-34078580-C-T.
Other names: c.808C>T, p.Gln270Ter (NM_001318219.1); short protein forms Q270*, Q902*.
Identifiers: ClinVar variation 3253312 (VCV003253312.1), dbSNP rs1374427601.

ClinVar aggregate classification (germline): Likely pathogenic (1 of 4 stars; one submission).

Allele frequency attached by ClinVar (database versions not stated): gnomAD exomes below 0.00001.
gnomAD v4.1: 5 of 1,613,826 alleles (0.00031%); highest among the groups gnomAD compares: Non-Finnish European, 0.00042%; no homozygotes.

Submission:

GeneDx
Classification: Likely pathogenic. Last evaluated: 2023-12-23. Review status: criteria provided, single submitter. Criteria: GeneDx Variant Classification Process June 2021. Collection method: clinical testing. Allele origin: germline. Affected: yes.
Comment: Nonsense variant predicted to result in protein truncation or nonsense mediated decay in a gene for which loss-of-function is a known mechanism of disease; Not observed at significant frequency in large population cohorts (gnomAD); Has not been previously published as pathogenic or benign to our knowledge; This variant is associated with the following publications: (PMID: 31964843)